The following is an entry in ClinVar:

NM_007215.4(POLG2):c.-61G>A

Genes: POLG2 (DNA polymerase gamma 2, accessory subunit; minus strand), MILR1 (mast cell immunoglobulin like receptor 1; plus strand). Cytogenetic location: 17q23.3.
Variant type: single nucleotide variant.
Coding change: c.-61G>A on transcript NM_007215.4 (MANE Select); 61 bases upstream of the start codon, G replaced by A.
Molecular consequence: 5 prime UTR variant.
Genome position (GRCh38, 1-based): chr17:64,497,029, C>T on the plus strand (G>A on the coding strand, the complement: POLG2 is on the minus strand). VCF-style: chr17-64497029-C-T. GRCh37 (hg19) VCF-style: chr17-62493147-C-T.
Identifiers: ClinVar variation 324562 (VCV000324562.5), dbSNP rs552693721, ClinGen allele CA10650686.

ClinVar aggregate classification (germline): Benign (1 of 4 stars; one submission).

Conditions:
Progressive external ophthalmoplegia with mitochondrial DNA deletions, autosomal dominant 4. Also called: PROGRESSIVE EXTERNAL OPHTHALMOPLEGIA, AUTOSOMAL DOMINANT 4. Identifiers: MedGen C1864668, MONDO:0012415, OMIM 610131.

Allele frequency attached by ClinVar (database versions not stated): gnomAD below 0.00001 and 0.00014; TOPMed 0.00003; gnomAD exomes 0.00020; 1000 Genomes Project 30x 0.00156; 1000 Genomes Project 0.00160.
gnomAD v4.1: 302 of 1,503,098 alleles (0.02%); highest among the groups gnomAD compares: South Asian, 0.32%; 3 homozygotes.

Submission:

Illumina Laboratory Services, Illumina
Classification: Benign for Progressive external ophthalmoplegia with mitochondrial DNA deletions, autosomal dominant 4. Last evaluated: 2018-01-13. Review status: criteria provided, single submitter. Criteria: ICSL Variant Classification Criteria 13 December 2019. Collection method: clinical testing. Allele origin: germline.
Comment: This variant was observed in the ICSL laboratory as part of a predisposition screen in an ostensibly healthy population. It had not been previously curated by ICSL or reported in the Human Gene Mutation Database (HGMD: prior to June 1st, 2018), and was therefore a candidate for classification through an automated scoring system. Utilizing variant allele frequency, disease prevalence and penetrance estimates, and inheritance mode, an automated score was calculated to assess if this variant is too frequent to cause the disease. Based on the score and internal cut-off values, a variant classified as benign is not then subjected to further curation. The score for this variant resulted in a classification of benign for this disease.